The following is an entry in ClinVar:

ClinVar aggregate classification (germline): Uncertain significance. Review status: criteria provided, multiple submitters, no conflicts (2 of 4 stars). 2 submissions from 2 submitters: Uncertain significance (2). Last evaluated 2022-04-13.

Conditions:
Autism spectrum disorder. Also called: Autism spectrum disorders. Identifiers: MedGen C1510586, MeSH D000067877, MONDO:0005258.

Allele frequency attached by ClinVar (database versions not stated): TOPMed 0.00001.

Submissions (2):

Department of Genetics, Rouen University Hospital, Normandy Center for Genomic and Personalized Medicine
Classification: Uncertain significance for Autism spectrum disorder. Last evaluated: 2022-04-13. Review status: criteria provided, single submitter. Criteria: ACMG Guidelines, 2015. Collection method: clinical testing. Allele origin: maternal. Affected: yes.

GeneDx
Classification: Uncertain significance. Last evaluated: 2019-04-29. Review status: criteria provided, single submitter. Criteria: GeneDx Variant Classification Process June 2021. Collection method: clinical testing. Allele origin: germline. Affected: yes.
Comment: Not observed in large population cohorts (Lek et al., 2016); In silico analysis, which includes protein predictors and evolutionary conservation, supports a deleterious effect; Has not been previously published as pathogenic or benign to our knowledge

NM_001318510.2(ACSL4):c.449A>T (p.His150Leu)

Gene: ACSL4 (acyl-CoA synthetase long chain family member 4; minus strand). Cytogenetic location: Xq23.
Variant type: single nucleotide variant.
Coding change: c.449A>T on transcript NM_001318510.2 (MANE Select); coding-DNA position 449, A replaced by T.
Protein change: p.His150Leu; replaces histidine 150 with leucine.
Molecular consequence: missense variant.
Genome position (GRCh38, 1-based): chrX:109,681,333, T>A on the plus strand (A>T on the coding strand, the complement: ACSL4 is on the minus strand). VCF-style: chrX-109681333-T-A. GRCh37 (hg19) VCF-style: chrX-108924562-T-A.
Other names: c.572A>T, p.His191Leu (NM_001318509.2, NM_022977.3); c.449A>T, p.His150Leu (NM_004458.3); c.572A>T (NM_001318509.1); short protein forms H150L, H191L.
Identifiers: ClinVar variation 1218144 (VCV001218144.5), dbSNP rs374685754, ClinGen allele CA414218318.